The following is an entry in ClinVar:

NM_000051.4(ATM):c.2472C>G (p.Ser824=)

Gene: ATM (ATM serine/threonine kinase; plus strand). Cytogenetic location: 11q22.3.
Variant type: single nucleotide variant.
Coding change: c.2472C>G on transcript NM_000051.4 (MANE Select); coding-DNA position 2472, C replaced by G.
Protein change: p.Ser824=; no amino-acid change (serine 824 retained).
Molecular consequence: synonymous variant.
Genome position (GRCh38, 1-based): chr11:108,267,176, C>G. VCF-style: chr11-108267176-C-G. GRCh37 (hg19) VCF-style: chr11-108137903-C-G.
Other names: c.2472C>G, p.Ser824= (NM_001351834.2).
Identifiers: ClinVar variation 760561 (VCV000760561.12), dbSNP rs786203289, ClinGen allele CA476673517.

ClinVar aggregate classification (germline): Benign/Likely benign. Review status: criteria provided, multiple submitters, no conflicts (2 of 4 stars). 3 submissions from 3 submitters: Benign (1); Likely benign (2). Last evaluated 2025-04-09.

Conditions:
Hereditary cancer-predisposing syndrome. Also called: Tumor predisposition; Hereditary Cancer Syndrome; Neoplastic Syndromes, Hereditary; Hereditary neoplastic syndrome. Identifiers: Orphanet 140162, MedGen C0027672, MeSH D009386, MONDO:0015356.
Ataxia-telangiectasia syndrome (AT). Also called: Ataxia telangiectasia (A-T); Cerebello-oculocutaneous telangiectasia; Immunodeficiency with ataxia telangiectasia; LOUIS-BAR SYNDROME; ATAXIA-TELANGIECTASIA, FRESNO VARIANT; Ataxia-telangiectasia, complementation group D. Identifiers: Orphanet 100, MedGen C0004135, MONDO:0008840, OMIM 208900.
Familial cancer of breast. Also called: Hereditary breast cancer; BREAST CANCER, FAMILIAL; hereditary breast carcinoma. Identifiers: Orphanet 227535, MedGen C0346153, MONDO:0016419, OMIM 114480. Disease mechanism: loss of function.

Submissions (3):

Labcorp Genetics (formerly Invitae), Labcorp
Classification: Likely benign for Ataxia-telangiectasia syndrome. Last evaluated: 2025-04-09. Review status: criteria provided, single submitter. Criteria: Invitae Variant Classification Sherloc (09022015). Collection method: clinical testing. Allele origin: germline.

Myriad Genetics, Inc.
Classification: Benign for Familial cancer of breast. Last evaluated: 2024-05-09. Review status: criteria provided, single submitter. Criteria: Myriad Autosomal Dominant, Autosomal Recessive and X-Linked Classification Criteria (2023). Collection method: clinical testing. Allele origin: unknown.
Comment: This variant is considered benign. This variant is a silent/synonymous amino acid change and it is not expected to impact splicing.

Ambry Genetics
Classification: Likely benign for Hereditary cancer-predisposing syndrome. Last evaluated: 2022-01-12. Review status: criteria provided, single submitter. Criteria: Ambry Variant Classification Scheme 2023. Collection method: clinical testing. Allele origin: germline.